The following is an entry in ClinVar:

ClinVar aggregate classification (germline): Uncertain significance. Review status: criteria provided, multiple submitters, no conflicts (2 of 4 stars). 5 submissions from 5 submitters: Uncertain significance (5). Last evaluated 2025-10-02.

Conditions:
Cardiovascular phenotype. Identifiers: MedGen CN230736.
Myopathy, reducing body, X-linked, childhood-onset (RBMX1B). Also called: REDUCING BODY MYOPATHY, X-LINKED 1B, WITH LATE CHILDHOOD OR ADULT ONSET. Identifiers: Orphanet 97239, MedGen C4225159, MONDO:0010415, OMIM 300718.
Myopathy, reducing body, X-linked, early-onset, severe (RBMX1A). Also called: REDUCING BODY MYOPATHY, X-LINKED 1, SEVERE, WITH INFANTILE OR EARLY CHILDHOOD ONSET. Identifiers: Orphanet 97239, MedGen C4225423, MONDO:0010414, OMIM 300717.
X-linked scapuloperoneal muscular dystrophy. Also called: SCAPULOPERONEAL MYOPATHY, FHL1-RELATED. Identifiers: Orphanet 431272, MedGen C2678061, MONDO:0010400, OMIM 300695.
X-linked myopathy with postural muscle atrophy. Also called: FHL1-Related Emery-Dreifuss Muscular Dystrophy, X-Linked. Identifiers: Orphanet 178461, MedGen C2678055, MONDO:0010401, OMIM 300696.
Uruguay Faciocardiomusculoskeletal syndrome. Identifiers: MedGen C1846010, MONDO:0010292, OMIM 300280.

Allele frequency attached by ClinVar (database versions not stated): gnomAD exomes 0.00003; ExAC 0.00005; gnomAD 0.00005 and 0.00006; TOPMed 0.00008.
gnomAD v4.1: 35 of 1,210,210 alleles (0.0029%); highest among the groups gnomAD compares: Non-Finnish European, 0.0038%; no homozygotes.

Submissions (5):

Labcorp Genetics (formerly Invitae), Labcorp
Classification: Uncertain significance for X-linked myopathy with postural muscle atrophy. Last evaluated: 2025-10-02. Review status: criteria provided, single submitter. Criteria: Invitae Variant Classification Sherloc (09022015). Collection method: clinical testing. Allele origin: germline.
Comment: This sequence change replaces lysine, which is basic and polar, with glutamic acid, which is acidic and polar, at codon 118 of the FHL1 protein (p.Lys118Glu). This variant is present in population databases (rs781053469, gnomAD 0.008%). This variant has not been reported in the literature in individuals affected with FHL1-related conditions. ClinVar contains an entry for this variant (Variation ID: 647258). An algorithm developed to predict the effect of missense changes on protein structure and function (PolyPhen-2) suggests that this variant is likely to be disruptive. In summary, the available evidence is currently insufficient to determine the role of this variant in disease. Therefore, it has been classified as a Variant of Uncertain Significance.

Ambry Genetics
Classification: Uncertain significance for Cardiovascular phenotype. Last evaluated: 2024-04-21. Review status: criteria provided, single submitter. Criteria: Ambry Variant Classification Scheme 2023. Collection method: clinical testing. Allele origin: germline.
Comment: The p.K118E variant (also known as c.352A>G), located in coding exon 3 of the FHL1 gene, results from an A to G substitution at nucleotide position 352. The lysine at codon 118 is replaced by glutamic acid, an amino acid with similar properties. This amino acid position is conserved. In addition, this alteration is predicted to be deleterious by in silico analysis. Based on the available evidence, the clinical significance of this variant remains unclear.

Fulgent Genetics
Classification: Uncertain significance for Uruguay Faciocardiomusculoskeletal syndrome; X-linked scapuloperoneal muscular dystrophy; X-linked myopathy with postural muscle atrophy; Myopathy, reducing body, X-linked, early-onset, severe; Myopathy, reducing body, X-linked, childhood-onset. Last evaluated: 2021-11-17. Review status: criteria provided, single submitter. Criteria: ACMG Guidelines, 2015. Collection method: clinical testing. Allele origin: unknown.

Revvity Omics, Revvity
Classification: Uncertain significance. Last evaluated: 2021-08-09. Review status: criteria provided, single submitter. Criteria: ACMG Guidelines, 2015. Collection method: clinical testing. Allele origin: germline.

GeneDx
Classification: Uncertain significance. Last evaluated: 2020-04-03. Review status: criteria provided, single submitter. Criteria: GeneDx Variant Classification Process June 2021. Collection method: clinical testing. Allele origin: germline. Affected: yes.
Comment: Has not been previously published as pathogenic or benign to our knowledge; In silico analysis supports that this missense variant has a deleterious effect on protein structure/function

NM_001159699.2(FHL1):c.400A>G (p.Lys134Glu)

Gene: FHL1 (four and a half LIM domains 1; plus strand). Cytogenetic location: Xq26.3.
Variant type: single nucleotide variant.
Coding change: c.400A>G on transcript NM_001159699.2 (MANE Select); coding-DNA position 400, A replaced by G.
Protein change: p.Lys134Glu; replaces lysine 134 with glutamic acid.
Molecular consequence: missense variant. On other transcripts: non-coding transcript variant (1).
Genome position (GRCh38, 1-based): chrX:136,207,812, A>G. VCF-style: chrX-136207812-A-G. GRCh37 (hg19) VCF-style: chrX-135289971-A-G.
Other names: c.352A>G, p.Lys118Glu (NM_001159700.2, NM_001159702.3, NM_001159703.2 and 9 more transcripts); c.439A>G, p.Lys147Glu (NM_001159701.2); c.400A>G, p.Lys134Glu (NM_001330659.2); short protein forms K147E, K118E, K134E.
Identifiers: ClinVar variation 647258 (VCV000647258.28), dbSNP rs781053469, ClinGen allele CA10525004.